The following is an entry in ClinVar:

ClinVar aggregate classification (germline): Conflicting classifications of pathogenicity. Review status: criteria provided, conflicting classifications (1 of 4 stars). 10 submissions from 10 submitters: Uncertain significance (6); Likely benign (4). Last evaluated 2026-06-24.

Conditions:
PLEC-related disorder. Also called: PLEC-related disorders; PLEC-related condition.
Inborn genetic diseases. Identifiers: MedGen C0950123, MeSH D030342.
Epidermolysis bullosa simplex, Ogna type (EBS5A). Also called: Pidermolysis bullosa simplex 5A, Ogna type; EPIDERMOLYSIS BULLOSA SIMPLEX 5A, OGNA TYPE. Identifiers: Orphanet 79401, MedGen C0432317, MONDO:0007555, OMIM 131950.
Epidermolysis bullosa simplex 5C, with pyloric atresia (EBS5C). Also called: PLEC-Related Epidermolysis Bullosa with Pyloric Atresia; Epidermolysis bullosa simplex with pyloric atresia; PLEC1-Related Epidermolysis Bullosa with Pyloric Atresia. Identifiers: Orphanet 158684, MedGen C2677349, MONDO:0012807, OMIM 612138.
Autosomal recessive limb-girdle muscular dystrophy type 2Q (LGMDR17). Also called: MUSCULAR DYSTROPHY, LIMB-GIRDLE, AUTOSOMAL RECESSIVE 17. Identifiers: Orphanet 254361, MedGen C3150989, MONDO:0013390, OMIM 613723.
Epidermolysis bullosa simplex with nail dystrophy (EBS5D). Identifiers: MedGen C4225309, MONDO:0014661, OMIM 616487.
Epidermolysis bullosa simplex 5B, with muscular dystrophy (EBS5B). Also called: EPIDERMOLYSIS BULLOSA SIMPLEX AND LIMB-GIRDLE MUSCULAR DYSTROPHY; Epidermolysis bullosa simplex with muscular dystrophy. Identifiers: Orphanet 257, MedGen C2931072, MONDO:0009181, OMIM 226670.

Allele frequency attached by ClinVar (database versions not stated): gnomAD exomes 0.00016 and 0.00031; ExAC 0.00028; ESP Exome Variant Server 0.00048; 1000 Genomes Project 0.00060; gnomAD 0.00060 and 0.00061; 1000 Genomes Project 30x 0.00062; TOPMed 0.00074.
gnomAD v4.1: 335 of 1,606,600 alleles (0.021%); highest among the groups gnomAD compares: African/African-American, 0.19%; no homozygotes.

Submissions (10):

PreventionGenetics, part of Exact Sciences
Classification: Uncertain significance for PLEC-related condition. Last evaluated: 2026-06-24. Review status: criteria provided, single submitter. Criteria: ACMG Guidelines, 2015. Collection method: clinical testing. Allele origin: germline.
Comment: The PLEC c.9130C>T variant is predicted to result in the amino acid substitution p.Arg3044Trp. This variant, also described as p.Arg3154Trp (NM_201380), has been reported along with a second PLEC variant of uncertain significance (p.Arg141Cys in NM_201380) in an individual with clinical suspicion of limb-girdle muscular dystrophy; however, evidence supporting pathogenicity was not provided for either variant (Torbati et al. 2024. PubMed ID: 38912134). This variant is reported in 0.18% of alleles in individuals of African descent in gnomAD. Although we suspect that this variant may be benign, the clinical significance of this variant is uncertain at this time due to the absence of conclusive functional and genetic evidence.

Labcorp Genetics (formerly Invitae), Labcorp
Classification: Uncertain significance for Autosomal recessive limb-girdle muscular dystrophy type 2Q; Epidermolysis bullosa simplex, Ogna type; Epidermolysis bullosa simplex with nail dystrophy; Epidermolysis bullosa simplex 5C, with pyloric atresia; Epidermolysis bullosa simplex 5B, with muscular dystrophy. Last evaluated: 2026-01-24. Review status: criteria provided, single submitter. Criteria: Invitae Variant Classification Sherloc (09022015). Collection method: clinical testing. Allele origin: germline.
Comment: This sequence change replaces arginine, which is basic and polar, with tryptophan, which is neutral and slightly polar, at codon 3044 of the PLEC protein (p.Arg3044Trp). This variant is present in population databases (rs201041716, gnomAD 0.2%). This missense change has been observed in individual(s) with limb-girdle muscular dystrophy (PMID: 38912134). This variant is also known as c.9460C>T (p.Arg3154Trp). ClinVar contains an entry for this variant (Variation ID: 196841). Invitae Evidence Modeling of protein sequence and biophysical properties (such as structural, functional, and spatial information, amino acid conservation, physicochemical variation, residue mobility, and thermodynamic stability) indicates that this missense variant is not expected to disrupt PLEC protein function with a negative predictive value of 80%. In summary, the available evidence is currently insufficient to determine the role of this variant in disease. Therefore, it has been classified as a Variant of Uncertain Significance.

Ambry Genetics
Classification: Uncertain significance for Inborn genetic diseases. Last evaluated: 2025-06-06. Review status: criteria provided, single submitter. Criteria: Ambry Variant Classification Scheme 2023. Collection method: clinical testing. Allele origin: germline.

CeGaT Center for Human Genetics Tuebingen
Classification: Likely benign. Last evaluated: 2025-03-01. Review status: criteria provided, single submitter. Criteria: CeGaT Center For Human Genetics Tuebingen Variant Classification Criteria Version 2. Collection method: clinical testing. Allele origin: germline. Affected: yes. Observed: 1 variant allele.
Comment: PLEC: BP1

Women's Health and Genetics/Laboratory Corporation of America, LabCorp
Classification: Likely benign. Last evaluated: 2025-01-22. Review status: criteria provided, single submitter. Criteria: LabCorp Variant Classification Summary - May 2015. Collection method: clinical testing. Allele origin: germline.
Comment: Variant summary: PLEC c.9130C>T (p.Arg3044Trp) results in a non-conservative amino acid change in the encoded protein sequence. Three of five in-silico tools predict a damaging effect of the variant on protein function. The variant allele was found at a frequency of 0.00031 in 238610 control chromosomes, predominantly at a frequency of 0.002 within the African or African-American subpopulation in the gnomAD database. The observed variant frequency within African or African-American control individuals in the gnomAD database is approximately 1.79 fold of the estimated maximal expected allele frequency for a pathogenic variant in PLEC causing autosomal recessive limb-girdle muscular dystrophy type 2Q phenotype (0.0011). c.9130C>T has been reported in at least one compound heterozygous individual suspected to be affected with limb-girdle muscular dystrophy type 2Q, however these report(s) do not provide unequivocal conclusions about association of the variant with PLEC-related conditions (Torbati_2024). To our knowledge, no experimental evidence demonstrating an impact on protein function has been reported. The following publication has been ascertained in the context of this evaluation (PMID: 38912134). ClinVar contains an entry for this variant (Variation ID: 196841). Based on the evidence outlined above, the variant was classified as likely benign.

Blueprint Genetics
Classification: Likely benign. Last evaluated: 2024-09-05. Review status: criteria provided, single submitter. Criteria: ACMG Guidelines, 2015. Collection method: clinical testing. Allele origin: germline.

Revvity Omics, Revvity
Classification: Likely benign. Last evaluated: 2023-11-10. Review status: criteria provided, single submitter. Criteria: ACMG Guidelines, 2015. Collection method: clinical testing. Allele origin: germline.

Institute for Clinical Genetics, University Hospital TU Dresden, University Hospital TU Dresden
Classification: Uncertain significance. Last evaluated: 2023-04-12. Review status: criteria provided, single submitter. Criteria: ACMG Guidelines, 2015. Collection method: clinical testing. Allele origin: germline.

GeneDx
Classification: Uncertain significance. Last evaluated: 2020-02-25. Review status: criteria provided, single submitter. Criteria: GeneDx Variant Classification Process June 2021. Collection method: clinical testing. Allele origin: germline. Affected: yes.
Comment: In silico analysis, which includes protein predictors and evolutionary conservation, supports a deleterious effect; Missense variant in a gene in which most reported pathogenic variants are truncating/loss-of-function; Has not been previously published as pathogenic or benign to our knowledge

Eurofins Ntd Llc (ga)
Classification: Uncertain significance. Last evaluated: 2015-12-17. Review status: criteria provided, single submitter. Criteria: EGL Classification Definitions 2015. Collection method: clinical testing. Allele origin: germline. Observed: 3 variant alleles, 3 heterozygotes.

Literature cited by the submitters: PubMed 38912134 (cited by Labcorp Genetics (formerly Invitae), Labcorp and Women's Health and Genetics/Laboratory Corporation of America, LabCorp).

NM_201384.3(PLEC):c.9049C>T (p.Arg3017Trp)

Gene: PLEC (plectin; minus strand). Cytogenetic location: 8q24.3.
Variant type: single nucleotide variant.
Coding change: c.9049C>T on transcript NM_201384.3 (MANE Select); coding-DNA position 9049, C replaced by T.
Protein change: p.Arg3017Trp; replaces arginine 3017 with tryptophan.
Molecular consequence: missense variant.
Genome position (GRCh38, 1-based): chr8:143,920,772, G>A on the plus strand (C>T on the coding strand, the complement: PLEC is on the minus strand). VCF-style: chr8-143920772-G-A. GRCh37 (hg19) VCF-style: chr8-144994940-G-A.
Other names: c.9130C>T, p.Arg3044Trp (NM_000445.5); c.9007C>T, p.Arg3003Trp (NM_201378.4); c.8983C>T, p.Arg2995Trp (NM_201379.3); c.9460C>T, p.Arg3154Trp (NM_201380.4); c.8953C>T, p.Arg2985Trp (NM_201381.3); c.9049C>T, p.Arg3017Trp (NM_201382.4); c.9061C>T, p.Arg3021Trp (NM_201383.3); short protein forms R2985W, R2995W, R3003W, R3017W, R3021W, R3044W, R3154W.
Identifiers: ClinVar variation 196841 (VCV000196841.36), dbSNP rs201041716, ClinGen allele CA244469.
Genomic context (GRCh38, chr8:143,920,772, plus strand): 5'-TCTGCCCCGCCTCCTCCAGCCATACACCCGCGATGACGTTGGCACCCCGGAGAGCCCGCC[G>A]CACAGTGTCCACCTCGGCTACGTCTCGCACAGAGCGCTCACCTCGCTGCAGCTGCTGGTA-3'
Protein context (NP_958786.1, residues 3007-3027): VRDVAEVDTV[Arg3017Trp]RALRGANVIA